The following is an entry in ClinVar:

NM_002900.3(RBP3):c.1405C>T (p.Gln469Ter)

Gene: RBP3 (retinol binding protein 3; plus strand). Cytogenetic location: 10q11.22.
Variant type: single nucleotide variant.
Coding change: c.1405C>T on transcript NM_002900.3 (MANE Select); coding-DNA position 1405, C replaced by T.
Protein change: p.Gln469Ter; replaces glutamine 469 with a stop codon.
Molecular consequence: nonsense.
Genome position (GRCh38, 1-based): chr10:47,349,889, C>T. VCF-style: chr10-47349889-C-T. GRCh37 (hg19) VCF-style: chr10-48389473-G-A.
Other names: short protein forms Q469*.
Identifiers: ClinVar variation 1409560 (VCV001409560.6), dbSNP rs2132253752, ClinGen allele CA376669663.

ClinVar aggregate classification (germline): Pathogenic (1 of 4 stars; one submission).

Submission:

Labcorp Genetics (formerly Invitae), Labcorp
Classification: Pathogenic. Last evaluated: 2020-10-30. Review status: criteria provided, single submitter. Criteria: Invitae Variant Classification Sherloc (09022015). Collection method: clinical testing. Allele origin: germline.
Comment: This variant is not present in population databases (ExAC no frequency). This variant has not been reported in the literature in individuals with RBP3-related conditions. For these reasons, this variant has been classified as Pathogenic. This sequence change creates a premature translational stop signal (p.Gln469*) in the RBP3 gene. It is expected to result in an absent or disrupted protein product. Loss-of-function variants in RBP3 are known to be pathogenic (PMID: 9614228, 23105016, 25766589).

Literature cited by the submitters: PubMed 9614228; PubMed 23105016; PubMed 25766589.